The following is an entry in ClinVar:

NM_004304.5(ALK):c.49G>T (p.Ala17Ser)

Gene: ALK (ALK receptor tyrosine kinase; minus strand). Cytogenetic location: 2p23.1.
Variant type: single nucleotide variant.
Coding change: c.49G>T on transcript NM_004304.5 (MANE Select); coding-DNA position 49, G replaced by T.
Protein change: p.Ala17Ser; replaces alanine 17 with serine.
Molecular consequence: missense variant.
Genome position (GRCh38, 1-based): chr2:29,920,611, C>A on the plus strand (G>T on the coding strand, the complement: ALK is on the minus strand). VCF-style: chr2-29920611-C-A. GRCh37 (hg19) VCF-style: chr2-30143477-C-A.
Other names: c.49G>T (NM_004304.4); short protein forms A17S.
Identifiers: ClinVar variation 3654757 (VCV003654757.3).

ClinVar aggregate classification (germline): Uncertain significance. Review status: criteria provided, multiple submitters, no conflicts (2 of 4 stars). 2 submissions from 2 submitters: Uncertain significance (2). Last evaluated 2026-08-16.

Conditions:
Neuroblastoma, susceptibility to, 3. Also called: ALK-Related Neuroblastic Tumor Susceptibility. Identifiers: Orphanet 635, MedGen C2751681, MONDO:0013083, OMIM 613014.
Hereditary cancer-predisposing syndrome. Also called: Tumor predisposition; Hereditary neoplastic syndrome; Hereditary Cancer Syndrome; Neoplastic Syndromes, Hereditary. Identifiers: Orphanet 140162, MedGen C0027672, MeSH D009386, MONDO:0015356.

Submissions (2):

Ambry Genetics
Classification: Uncertain significance for Hereditary cancer-predisposing syndrome. Last evaluated: 2026-08-16. Review status: criteria provided, single submitter. Criteria: Ambry Variant Classification Scheme 2023. Collection method: clinical testing. Allele origin: germline.
Comment: The p.A17S variant (also known as c.49G>T), located in coding exon 1 of the ALK gene, results from a G to T substitution at nucleotide position 49. The alanine at codon 17 is replaced by serine, an amino acid with similar properties. This amino acid position is conserved. In addition, this alteration is predicted to be tolerated by in silico analysis. Based on the available evidence, the clinical significance of this variant remains unclear.

Labcorp Genetics (formerly Invitae), Labcorp
Classification: Uncertain significance for Neuroblastoma, susceptibility to, 3. Last evaluated: 2024-05-28. Review status: criteria provided, single submitter. Criteria: Invitae Variant Classification Sherloc (09022015). Collection method: clinical testing. Allele origin: germline.
Comment: This sequence change replaces alanine, which is neutral and non-polar, with serine, which is neutral and polar, at codon 17 of the ALK protein (p.Ala17Ser). This variant is not present in population databases (gnomAD no frequency). This variant has not been reported in the literature in individuals affected with ALK-related conditions. Algorithms developed to predict the effect of missense changes on protein structure and function output the following: SIFT: "Not Available"; PolyPhen-2: "Benign"; Align-GVGD: "Not Available". The serine amino acid residue is found in multiple mammalian species, which suggests that this missense change does not adversely affect protein function. In summary, the available evidence is currently insufficient to determine the role of this variant in disease. Therefore, it has been classified as a Variant of Uncertain Significance.